The following is an entry in ClinVar:

NM_001035.3(RYR2):c.1088T>C (p.Ile363Thr)

Gene: RYR2 (ryanodine receptor 2; plus strand). Cytogenetic location: 1q43.
Variant type: single nucleotide variant.
Coding change: c.1088T>C on transcript NM_001035.3 (MANE Select); coding-DNA position 1088, T replaced by C.
Protein change: p.Ile363Thr; replaces isoleucine 363 with threonine.
Molecular consequence: missense variant.
Genome position (GRCh38, 1-based): chr1:237,441,401, T>C. VCF-style: chr1-237441401-T-C. GRCh37 (hg19) VCF-style: chr1-237604701-T-C.
Other names: short protein forms I363T.
Identifiers: ClinVar variation 923107 (VCV000923107.4), dbSNP rs1360751290, ClinGen allele CA345376281.

ClinVar aggregate classification (germline): Uncertain significance. Review status: criteria provided, multiple submitters, no conflicts (2 of 4 stars). 2 submissions from 2 submitters: Uncertain significance (2). Last evaluated 2025-09-27.

Conditions:
Catecholaminergic polymorphic ventricular tachycardia 1. Also called: VENTRICULAR TACHYCARDIA, CATECHOLAMINERGIC POLYMORPHIC, 1, WITH OR WITHOUT ATRIAL DYSFUNCTION AND/OR DILATED CARDIOMYOPATHY; RYR2-Related Catecholaminergic Polymorphic Ventricular Tachycardia; VENTRICULAR TACHYCARDIA, STRESS-INDUCED POLYMORPHIC 1. Identifiers: Orphanet 3286, MedGen C1631597, MONDO:0011484, OMIM 604772.
Cardiomyopathy (CMYO). Also called: Cardiomyopathies. Identifiers: Orphanet 167848, MedGen C0878544, MONDO:0004994, HP:0001638. Inheritance: Various modes of inheritance.

Allele frequency attached by ClinVar (database versions not stated): gnomAD exomes below 0.00001; TOPMed below 0.00001; gnomAD 0.00001.
gnomAD v4.1: 2 of 1,613,612 alleles (0.00012%); highest among the groups gnomAD compares: Non-Finnish European, 0.00017%; no homozygotes.

Submissions (2):

Labcorp Genetics (formerly Invitae), Labcorp
Classification: Uncertain significance for Catecholaminergic polymorphic ventricular tachycardia 1. Last evaluated: 2025-09-27. Review status: criteria provided, single submitter. Criteria: Invitae Variant Classification Sherloc (09022015). Collection method: clinical testing. Allele origin: germline.
Comment: This sequence change replaces isoleucine, which is neutral and non-polar, with threonine, which is neutral and polar, at codon 363 of the RYR2 protein (p.Ile363Thr). This variant is not present in population databases (gnomAD no frequency). This variant has not been reported in the literature in individuals affected with RYR2-related conditions. ClinVar contains an entry for this variant (Variation ID: 923107). Invitae Evidence Modeling of protein sequence and biophysical properties (such as structural, functional, and spatial information, amino acid conservation, physicochemical variation, residue mobility, and thermodynamic stability) indicates that this missense variant is not expected to disrupt RYR2 protein function with a negative predictive value of 95%. In summary, the available evidence is currently insufficient to determine the role of this variant in disease. Therefore, it has been classified as a Variant of Uncertain Significance.

Color Diagnostics, LLC DBA Color Health
Classification: Uncertain significance for Cardiomyopathy. Last evaluated: 2018-12-06. Review status: criteria provided, single submitter. Criteria: ACMG Guidelines, 2015. Collection method: clinical testing. Allele origin: germline.
Comment: Variant of Uncertain Significance due to insufficient evidence: This missense variant is located in the cytoplasmic MIR motif 5 of the RYR2 protein. Computational prediction tools and conservation analyses suggest that this variant may have deleterious impact on the protein function. Computational splicing tools suggest that this variant may not impact RNA splicing. To our knowledge, functional assays have not been performed for this variant nor has this variant been reported in individuals affected with cardiovascular disorders in the literature. This variant is rare in the general population and has been identified in 0/277264 chromosomes by the Genome Aggregation Database (gnomAD). Available evidence is insufficient to determine the pathogenicity of this variant conclusively.